The following is an entry in ClinVar:

NM_001369.3(DNAH5):c.3718_3719insCCCACTTCTG (p.Asn1240delinsThrHisPheTer)

Genes: DNAH5 (dynein axonemal heavy chain 5; minus strand), DNAH5-AS1 (DNAH5 antisense RNA 1; plus strand). Cytogenetic location: 5p15.2.
Variant type: Insertion.
Coding change: c.3718_3719insCCCACTTCTG on transcript NM_001369.3 (MANE Select); coding-DNA positions 3718 to 3719, CCCACTTCTG inserted.
Protein change: p.Asn1240delinsThrHisPheTer.
Molecular consequence: nonsense.
Genome position: GRCh38 VCF-style: chr5-13870882-T-TCAGAAGTGGG. GRCh37 (hg19) VCF-style: chr5-13870991-T-TCAGAAGTGGG.
Identifiers: ClinVar variation 5011043 (VCV005011043.1).
Genomic context (GRCh38, chr5:13,870,882, plus strand): 5'-AGCGCTGCCATTGCAATCCGAATATCATCTAGGTCCTTAATTGGACGATTTAGTTTCTTA[T>TCAGAAGTGGG]TGAATTCTTCAATAAGCATAAAAATGTTTTCCATCTCACTCCGGTATTTTTTGTTACAGT-3'

ClinVar aggregate classification (germline): Pathogenic (1 of 4 stars; one submission).

Conditions:
Primary ciliary dyskinesia 3. Identifiers: Orphanet 244, MedGen C1837618, MONDO:0012085, OMIM 608644.

Submission:

Myriad Genetics, Inc.
Classification: Pathogenic for Primary ciliary dyskinesia 3. Last evaluated: 2024-05-14. Review status: criteria provided, single submitter. Criteria: Myriad Autosomal Dominant, Autosomal Recessive and X-Linked Classification Criteria (2023). Collection method: clinical testing. Allele origin: unknown.
Comment: NM_001369.2(DNAH5):c.3718_3719ins10(N1240Tfs*4) is expected to be pathogenic in the context of primary ciliary dyskinesia, DNAH5-related. This variant is predicted to lead to an abnormal or absent protein product due to the creation of a premature termination codon in DNAH5, a gene where loss-of-function variants are known to be pathogenic. Please note: this variant was assessed in the context of healthy population screening.